The following is an entry in ClinVar:

ClinVar aggregate classification (germline): Pathogenic/Likely pathogenic. Review status: criteria provided, multiple submitters, no conflicts (2 of 4 stars). 11 submissions from 11 submitters: Pathogenic (8); Likely pathogenic (1). 2 of the submissions do not count toward it. Last evaluated 2025-08-17.

Conditions:
Hereditary nonpolyposis colorectal neoplasms. Identifiers: MedGen C0009405, MeSH D003123.
Lynch syndrome. Identifiers: Orphanet 144, MedGen C4552100, MONDO:0005835. Disease mechanism: loss of function.
Lynch syndrome 5 (LYNCH5). Also called: Hereditary non-polyposis colorectal cancer, type 5; Colorectal cancer, hereditary nonpolyposis, type 5. Identifiers: Orphanet 144, MedGen C1833477, MONDO:0013710, OMIM 614350. Disease mechanism: loss of function.
Hereditary cancer-predisposing syndrome. Also called: Hereditary neoplastic syndrome; Tumor predisposition; Neoplastic Syndromes, Hereditary; Hereditary Cancer Syndrome. Identifiers: Orphanet 140162, MedGen C0027672, MeSH D009386, MONDO:0015356.
Endometrial carcinoma. Also called: Endometrial carcinoma, somatic. Identifiers: MedGen C0476089, MONDO:0002447, OMIM 608089, HP:0012114.

Submissions (11):

Labcorp Genetics (formerly Invitae), Labcorp
Classification: Pathogenic for Hereditary nonpolyposis colorectal neoplasms. Last evaluated: 2025-08-17. Review status: criteria provided, single submitter. Criteria: Invitae Variant Classification Sherloc (09022015). Collection method: clinical testing. Allele origin: germline.
Comment: This sequence change creates a premature translational stop signal (p.Ile1239Lysfs*35) in the MSH6 gene. It is expected to result in an absent or disrupted protein product. Loss-of-function variants in MSH6 are known to be pathogenic (PMID: 18269114, 24362816). This variant is not present in population databases (gnomAD no frequency). This variant has not been reported in the literature in individuals affected with MSH6-related conditions. Invitae Evidence Modeling of clinical and family history, age, sex, and reported ancestry of multiple individuals with this MSH6 variant has been performed. This variant is expected to be pathogenic with a positive predictive value of at least 99%. This is a validated machine learning model that incorporates the clinical features of 1,627,235 individuals referred to our laboratory for MSH6 testing. ClinVar contains an entry for this variant (Variation ID: 420268). For these reasons, this variant has been classified as Pathogenic.

Ambry Genetics
Classification: Pathogenic for Hereditary cancer-predisposing syndrome. Last evaluated: 2025-02-24. Review status: criteria provided, single submitter. Criteria: Ambry Variant Classification Scheme 2023. Collection method: clinical testing. Allele origin: germline.
Comment: The c.3716_3717delTA pathogenic mutation, located in coding exon 8 of the MSH6 gene, results from a deletion of two nucleotides at nucleotide positions 3716 to 3717, causing a translational frameshift with a predicted alternate stop codon (p.I1239Kfs*35). This variant is considered to be rare based on population cohorts in the Genome Aggregation Database (gnomAD). This alteration is expected to result in loss of function by premature protein truncation or nonsense-mediated mRNA decay. As such, this alteration is interpreted as a disease-causing mutation.

All of Us Research Program, National Institutes of Health
Classification: Pathogenic for Lynch syndrome. Last evaluated: 2024-03-14. Review status: criteria provided, single submitter. Criteria: ACMG Guidelines, 2015. Collection method: clinical testing. Allele origin: germline. Inheritance: Autosomal dominant inheritance. Observed: 2 variant alleles, 2 heterozygotes.
Comment: The c.3716_3717del (p.Ile1239Lysfs*35) variant in the MSH6 gene is located on the exon 8 and is predicted to cause reading frame shift that introduces a premature translation termination codon (p.Ile1239Lysfs*35), resulting in an absent or disrupted protein product. The variant has been identified in an individual with breast cancer (PMID: 29345684). Loss-of-function variants in MSH6 are known to be pathogenic and frameshift/truncating variants located downstream to this position have been reported in individuals with Lynch syndrome-associated cancers (PMID: 20028993, 18269114). The variant is reported in ClinVar (ID: 420268). This variant is absent in the general population database (gnomAD). Therefore, the c.3716_3717del (p.Ile1239Lysfs*35) variant of MSH6 has been classified as pathogenic.

This study involves interpretation of variants in research participants for the purpose of population health screening. Participant phenotype was not available at the time of variant classification. Additional details can be found in publication PMID: 35346344, PMCID: PMC8962531

Myriad Genetics, Inc.
Classification: Pathogenic for Lynch syndrome 5. Last evaluated: 2023-08-25. Review status: criteria provided, single submitter. Criteria: Myriad Autosomal Dominant, Autosomal Recessive and X-Linked Classification Criteria (2023). Collection method: clinical testing. Allele origin: unknown.
Comment: This variant is considered pathogenic. This variant creates a frameshift predicted to result in premature protein truncation.

Color Diagnostics, LLC DBA Color Health
Classification: Pathogenic for Hereditary cancer-predisposing syndrome. Last evaluated: 2023-07-31. Review status: criteria provided, single submitter. Criteria: ACMG Guidelines, 2015. Collection method: clinical testing. Allele origin: germline.
Comment: This variant deletes 2 nucleotides in exon 8 of the MSH6 gene, creating a frameshift and premature translation stop signal. This variant is expected to result in an absent or non-functional protein product. This variant has been reported in an individual undergoing genetic testing for Lynch syndrome and colorectal cancer (PMID: 29345684). This individual had a personal history of breast cancer. This variant has not been identified in the general population by the Genome Aggregation Database (gnomAD). Loss of MSH6 function is a known mechanism of disease. Based on the available evidence, this variant is classified as Pathogenic.

Genetics and Molecular Pathology, SA Pathology
Classification: Pathogenic for Lynch syndrome 5. Last evaluated: 2022-04-29. Review status: criteria provided, single submitter. Criteria: ACMG Guidelines, 2015. Collection method: clinical testing. Allele origin: germline. Inheritance: Autosomal dominant inheritance. Affected: yes.
Comment: The MSH6 c.3716_3717del variant is classified as Likely Pathogenic (PVS1, PM2) This MSH6 c.3716_3717del variant is located in exon 8/10 and is predicted to cause a shift in the reading frame at codon 1239. This variant is absent from population databases (PM2). The variant has been reported in dbSNP (rs1064794384) and has been reported as Pathogenic by other diagnostic laboratories (ClinVar Variation ID: 420268). It has not been reported in HGMD.

Baylor Genetics
Classification: Likely pathogenic for Endometrial carcinoma. Last evaluated: 2021-07-30. Review status: criteria provided, single submitter. Criteria: ACMG Guidelines, 2015. Collection method: clinical testing. Allele origin: unknown.

Quest Diagnostics Nichols Institute San Juan Capistrano
Classification: Pathogenic. Last evaluated: 2018-06-11. Review status: criteria provided, single submitter. Criteria: Quest Diagnostics criteria. Collection method: clinical testing. Allele origin: germline.

GeneDx
Classification: Pathogenic. Last evaluated: 2015-12-21. Review status: criteria provided, single submitter. Criteria: GeneDx Variant Classification (06012015). Collection method: clinical testing. Allele origin: germline. Affected: yes.
Comment: This deletion of 2 nucleotides in MSH6 is denoted c.3716_3717delTA at the cDNA level and p.Ile1239LysfsX35 (I1239KfsX35) at the protein level. The normal sequence, with the bases that are deleted in braces, is ACTA[TA]AAAT. The deletion causes a frameshift, which changes an Isoleucine to a Lysine at codon 1239, and creates a premature stop codon at position 35 of the new reading frame. Although this variant has not, to our knowledge, been reported in the literature, it is predicted to cause loss of normal protein function through either protein truncation or nonsense-mediated mRNA decay. We consider this variant to be pathogenic.

Gharavi Laboratory, Columbia University
Classification: Pathogenic. Last evaluated: 2018-09-16. Review status: no assertion criteria provided. Criteria: ACMG Guidelines, 2015. Collection method: research. Allele origin: germline. Affected: yes. Not counted in ClinVar's aggregate classification.

Mayo Clinic Laboratories, Mayo Clinic
Classification: Likely pathogenic. Last evaluated: 2018-02-20. Review status: no assertion criteria provided. Collection method: clinical testing. Allele origin: unknown. Not counted in ClinVar's aggregate classification.

Literature cited by the submitters: PubMed 18269114 (cited by Labcorp Genetics (formerly Invitae), Labcorp and All of Us Research Program, National Institutes of Health); PubMed 24362816 (cited by Labcorp Genetics (formerly Invitae), Labcorp); PubMed 20028993 (cited by All of Us Research Program, National Institutes of Health); PubMed 29345684 (cited by All of Us Research Program, National Institutes of Health and Color Diagnostics, LLC DBA Color Health).

NM_000179.3(MSH6):c.3716_3717del (p.Ile1239fs)

Gene: MSH6 (mutS homolog 6; plus strand). Cytogenetic location: 2p16.3.
Variant type: Microsatellite.
Coding change: c.3716_3717del on transcript NM_000179.3 (MANE Select); coding-DNA positions 3716 to 3717, 2 bases deleted (TA; older notation c.3716_3717delTA).
Protein change: p.Ile1239fs; shifts the reading frame from isoleucine 1239.
Molecular consequence: frameshift variant.
Genome position (GRCh38, 1-based): chr2:47,806,273-47,806,274, TA deleted; deleting any 2 consecutive bases within chr2:47,806,271-47,806,274 gives the same sequence; the c. name uses the placement nearest the transcript's 3' end. VCF-style (leftmost placement, unchanged base first): chr2-47806270-CTA-C. GRCh37 (hg19) VCF-style: chr2-48033409-CTA-C.
Other names: c.3326_3327del, p.Ile1109fs (NM_001281492.2); c.2810_2811del, p.Ile937fs (NM_001281493.2, NM_001281494.2); c.3716_3717delTA (NM_000179.2, NM_000179.3); short protein forms I937fs, I1109fs, I1239fs.
Identifiers: ClinVar variation 420268 (VCV000420268.24), dbSNP rs1064794384, ClinGen allele CA16617707.